The following is an entry in ClinVar:

NM_001267550.2(TTN):c.8170G>T (p.Ala2724Ser)

Gene: TTN (titin; minus strand). Cytogenetic location: 2q31.2.
Variant type: single nucleotide variant.
Coding change: c.8170G>T on transcript NM_001267550.2 (MANE Select); coding-DNA position 8170, G replaced by T.
Protein change: p.Ala2724Ser; replaces alanine 2724 with serine.
Molecular consequence: missense variant.
Genome position (GRCh38, 1-based): chr2:178,770,622, C>A on the plus strand (G>T on the coding strand, the complement: TTN is on the minus strand). VCF-style: chr2-178770622-C-A. GRCh37 (hg19) VCF-style: chr2-179635349-C-A.
Other names: p.Ala2724Ser; c.8170G>T, p.Ala2724Ser (NM_001256850.1, NM_133378.4, NM_133379.5); c.8032G>T, p.Ala2678Ser (NM_003319.4, NM_133432.3, NM_133437.4); short protein forms A2678S, A2724S.
Identifiers: ClinVar variation 3379386 (VCV003379386.1).

ClinVar aggregate classification (germline): Uncertain significance (1 of 4 stars; one submission).

Submission:

Mayo Clinic Laboratories, Mayo Clinic
Classification: Uncertain significance. Last evaluated: 2024-08-09. Review status: criteria provided, single submitter. Criteria: ACMG Guidelines, 2015. Collection method: clinical testing. Allele origin: germline. Observed: 1 variant allele.
Comment: PM2

Literature cited by the submitters: PubMed 33057194; PubMed 35982159.